The following is an entry in ClinVar:

ClinVar aggregate classification (germline): Likely pathogenic (1 of 4 stars; one submission).

Conditions:
Marfan syndrome (MFS). Also called: Marfan syndrome type 1; Marfan's syndrome; FBN1-Related Marfan Syndrome; MARFAN SYNDROME, TYPE I; Marfan syndrome, classic. Identifiers: Orphanet 284963, Orphanet 558, MedGen C0024796, MONDO:0007947, OMIM 154700.

Submission:

Centre of Medical Genetics, University of Antwerp
Classification: Likely pathogenic for Marfan syndrome. Last evaluated: 2021-03-01. Review status: criteria provided, single submitter. Criteria: Submitter's publication. Collection method: research. Allele origin: unknown. Affected: yes.
Comment: PM2, PS7, PP4

GRCh37/hg19 15q21.1(chr15:48725063-48892431)

Gene: FBN1 (fibrillin 1; minus strand). Cytogenetic location: 15q21.1.
Variant type: copy number gain.
Identifiers: ClinVar variation 1325471 (VCV001325471.2).